The following is an entry in ClinVar:

NM_022124.6(CDH23):c.8377C>A (p.Arg2793=)

Gene: CDH23 (cadherin related 23; plus strand). Cytogenetic location: 10q22.1.
Variant type: single nucleotide variant.
Coding change: c.8377C>A on transcript NM_022124.6 (MANE Select); coding-DNA position 8377, C replaced by A.
Protein change: p.Arg2793=; no amino-acid change (arginine 2793 retained).
Molecular consequence: synonymous variant.
Genome position (GRCh38, 1-based): chr10:71,807,584, C>A. VCF-style: chr10-71807584-C-A. GRCh37 (hg19) VCF-style: chr10-73567341-C-A.
Other names: c.1657C>A, p.Arg553= (NM_001171933.1, NM_001171934.1).
Identifiers: ClinVar variation 765570 (VCV000765570.12), dbSNP rs749203752, ClinGen allele CA5546635.

ClinVar aggregate classification (germline): Likely benign. Review status: criteria provided, multiple submitters, no conflicts (2 of 4 stars). 3 submissions from 3 submitters: Likely benign (3). Last evaluated 2025-11-18.

Conditions:
CDH23-related disorder. Also called: CDH23-related disorders; CDH23-related condition.

Allele frequency attached by ClinVar (database versions not stated): TOPMed 0.00002.
gnomAD v4.1: 82 of 1,613,828 alleles (0.0051%); highest among the groups gnomAD compares: South Asian, 0.06%; no homozygotes.

Submissions (3):

PreventionGenetics, part of Exact Sciences
Classification: Likely benign for CDH23-related condition. Last evaluated: 2025-11-18. Review status: criteria provided, single submitter. Criteria: ACMG Guidelines, 2015. Collection method: clinical testing. Allele origin: germline.
Comment: This variant is classified as likely benign based on ACMG/AMP sequence variant interpretation guidelines (Richards et al. 2015 PMID: 25741868, with internal and published modifications).

Labcorp Genetics (formerly Invitae), Labcorp
Classification: Likely benign. Last evaluated: 2025-10-20. Review status: criteria provided, single submitter. Criteria: Invitae Variant Classification Sherloc (09022015). Collection method: clinical testing. Allele origin: germline.

Blueprint Genetics
Classification: Likely benign. Last evaluated: 2023-12-21. Review status: criteria provided, single submitter. Criteria: ACMG Guidelines, 2015. Collection method: clinical testing. Allele origin: germline.